The following is an entry in ClinVar:

NM_001199138.2(NLRC4):c.1541A>C (p.Gln514Pro)

Gene: NLRC4 (NLR family CARD domain containing 4; minus strand). Cytogenetic location: 2p22.3.
Variant type: single nucleotide variant.
Coding change: c.1541A>C on transcript NM_001199138.2 (MANE Select); coding-DNA position 1541, A replaced by C.
Protein change: p.Gln514Pro; replaces glutamine 514 with proline.
Molecular consequence: missense variant. On other transcripts: intron variant (1).
Genome position (GRCh38, 1-based): chr2:32,250,323, T>G on the plus strand (A>C on the coding strand, the complement: NLRC4 is on the minus strand). VCF-style: chr2-32250323-T-G. GRCh37 (hg19) VCF-style: chr2-32475392-T-G.
Other names: c.1541A>C, p.Gln514Pro (NM_001199139.2, NM_021209.5); c.262+2096A>C (NM_001302504.1); short protein forms Q514P.
Identifiers: ClinVar variation 2921364 (VCV002921364.3), dbSNP rs2466759218, ClinGen allele CA346512246.

ClinVar aggregate classification (germline): Uncertain significance (1 of 4 stars; one submission).

Conditions:
Periodic fever-infantile enterocolitis-autoinflammatory syndrome. Also called: Autoinflammation with infantile enterocolitis. Identifiers: Orphanet 436166, MedGen C4015067, MONDO:0014472, OMIM 616050.
Familial cold autoinflammatory syndrome 4 (FCAS4). Identifiers: Orphanet 47045, Orphanet 576349, MedGen C4015276, MONDO:0014498, OMIM 616115.

Allele frequency attached by ClinVar (database versions not stated): gnomAD exomes below 0.00001.
gnomAD v4.1: 1 of 1,614,178 alleles (0.000062%); highest among the groups gnomAD compares: Middle Eastern, 0.017%; no homozygotes.

Submission:

Labcorp Genetics (formerly Invitae), Labcorp
Classification: Uncertain significance for Periodic fever-infantile enterocolitis-autoinflammatory syndrome; Familial cold autoinflammatory syndrome 4. Last evaluated: 2023-12-13. Review status: criteria provided, single submitter. Criteria: Invitae Variant Classification Sherloc (09022015). Collection method: clinical testing. Allele origin: germline.
Comment: This sequence change replaces glutamine, which is neutral and polar, with proline, which is neutral and non-polar, at codon 514 of the NLRC4 protein (p.Gln514Pro). This variant is not present in population databases (gnomAD no frequency). This variant has not been reported in the literature in individuals affected with NLRC4-related conditions. Advanced modeling of protein sequence and biophysical properties (such as structural, functional, and spatial information, amino acid conservation, physicochemical variation, residue mobility, and thermodynamic stability) performed at Invitae indicates that this missense variant is not expected to disrupt NLRC4 protein function with a negative predictive value of 80%. In summary, the available evidence is currently insufficient to determine the role of this variant in disease. Therefore, it has been classified as a Variant of Uncertain Significance.